The following is an entry in ClinVar:

ClinVar aggregate classification (germline): Pathogenic (1 of 4 stars; one submission).

Conditions:
Hermansky-Pudlak syndrome 3 (HPS3). Identifiers: Orphanet 231512, Orphanet 79430, MedGen C3888001, MONDO:0013555, OMIM 614072.

Submission:

Myriad Genetics, Inc.
Classification: Pathogenic for Hermansky-Pudlak syndrome 3. Last evaluated: 2024-05-14. Review status: criteria provided, single submitter. Criteria: Myriad Autosomal Dominant, Autosomal Recessive and X-Linked Classification Criteria (2023). Collection method: clinical testing. Allele origin: unknown.
Comment: NM_032383.3(HPS3):c.315_316ins5(I106Lfs*5) is expected to be pathogenic in the context of Hermansky-Pudlak syndrome, HPS3-related. This variant is predicted to lead to an abnormal or absent protein product due to the creation of a premature termination codon in HPS3, a gene where loss-of-function variants are known to be pathogenic. Please note: this variant was assessed in the context of healthy population screening.

NM_032383.5(HPS3):c.315_316insCTCTT (p.Ile106fs)

Gene: HPS3 (HPS3 biogenesis of lysosomal organelles complex 2 subunit 1; plus strand). Cytogenetic location: 3q24.
Variant type: Microsatellite.
Coding change: c.315_316insCTCTT on transcript NM_032383.5 (MANE Select); coding-DNA positions 315 to 316, CTCTT inserted.
Protein change: p.Ile106fs; shifts the reading frame from isoleucine 106.
Molecular consequence: frameshift variant. On other transcripts: intron variant (1).
Genome position: GRCh38 VCF-style: chr3-149140100-G-GTCTCT. GRCh37 (hg19) VCF-style: chr3-148857887-G-GTCTCT.
Other names: c.218-916_218-915insCTCTT (NM_001308258.2); short protein forms I106fs.
Identifiers: ClinVar variation 5010918 (VCV005010918.1).
Genomic context (GRCh38, chr3:149,140,100, plus strand): 5'-CTACATTTCTACGTGCTTATGTGAACTGGAGAAATAAAAGGACTGAAAACTCTCGTGTGT[G>GTCTCT]TATCCGAATGATTGGGCATAATGTGGAGGGACCATTCAGCAAAGCCTTCAGAGACCAGAT-3'